The following is an entry in ClinVar:

ClinVar aggregate classification (germline): Uncertain significance (1 of 4 stars; one submission).

Conditions:
Retinitis pigmentosa 12 (RP12). Also called: RP WITH OR WITHOUT PRESERVED PARAARTERIOLE RETINAL PIGMENT EPITHELIUM; RETINITIS PIGMENTOSA WITH OR WITHOUT PARAARTERIOLAR PRESERVATION OF RETINAL PIGMENT EPITHELIUM; RP WITH OR WITHOUT PPRPE. Identifiers: Orphanet 791, MedGen C1838647, MONDO:0010818, OMIM 600105.
Leber congenital amaurosis 8 (LCA8). Identifiers: Orphanet 65, MedGen C3151202, MONDO:0013453, OMIM 613835.

Allele frequency attached by ClinVar (database versions not stated): gnomAD exomes below 0.00001; TOPMed below 0.00001; ExAC 0.00001.
gnomAD v4.1: 2 of 1,614,224 alleles (0.00012%); highest among the groups gnomAD compares: Admixed American, 0.0017%; no homozygotes.

Submission:

Labcorp Genetics (formerly Invitae), Labcorp
Classification: Uncertain significance for Leber congenital amaurosis 8; Retinitis pigmentosa 12. Last evaluated: 2022-03-27. Review status: criteria provided, single submitter. Criteria: Invitae Variant Classification Sherloc (09022015). Collection method: clinical testing. Allele origin: germline.
Comment: This sequence change replaces leucine, which is neutral and non-polar, with proline, which is neutral and non-polar, at codon 555 of the CRB1 protein (p.Leu555Pro). This variant is present in population databases (rs760833525, gnomAD 0.003%). This variant has not been reported in the literature in individuals affected with CRB1-related conditions. Algorithms developed to predict the effect of missense changes on protein structure and function (SIFT, PolyPhen-2, Align-GVGD) all suggest that this variant is likely to be disruptive. In summary, the available evidence is currently insufficient to determine the role of this variant in disease. Therefore, it has been classified as a Variant of Uncertain Significance.

NM_201253.3(CRB1):c.1664T>C (p.Leu555Pro)

Gene: CRB1 (crumbs cell polarity complex component 1; plus strand). Cytogenetic location: 1q31.3.
Variant type: single nucleotide variant.
Coding change: c.1664T>C on transcript NM_201253.3 (MANE Select); coding-DNA position 1664, T replaced by C.
Protein change: p.Leu555Pro; replaces leucine 555 with proline.
Molecular consequence: missense variant. On other transcripts: non-coding transcript variant (2).
Genome position (GRCh38, 1-based): chr1:197,421,492, T>C. VCF-style: chr1-197421492-T-C. GRCh37 (hg19) VCF-style: chr1-197390622-T-C.
Other names: c.1328T>C, p.Leu443Pro (NM_001193640.2); c.1457T>C, p.Leu486Pro (NM_001257965.2); c.1664T>C, p.Leu555Pro (NM_001257966.2); short protein forms L443P, L486P, L555P.
Identifiers: ClinVar variation 2198329 (VCV002198329.1), dbSNP rs760833525, ClinGen allele CA1311952.